The following is an entry in ClinVar:

ClinVar aggregate classification (germline): Benign/Likely benign. Review status: criteria provided, multiple submitters, no conflicts (2 of 4 stars). 7 submissions from 7 submitters: Benign (3); Likely benign (3). 1 of the submissions does not count toward it. Last evaluated 2026-03-01.

Conditions:
CREBBP-related disorder. Also called: CREBBP-related disorders; CREBBP-related condition.
Rubinstein-Taybi syndrome (RSTS). Identifiers: Orphanet 783, MedGen C0035934, MONDO:0019188.
Rubinstein-Taybi syndrome due to CREBBP mutations (RSTS1). Also called: RUBINSTEIN SYNDROME; Rubinstein-Taybi syndrome 1; RUBINSTEIN-TAYBI SYNDROME 1, INCOMPLETE; BROAD THUMB-HALLUX SYNDROME; CREBBP-Related Rubinstein-Taybi Syndrome; BROAD THUMBS AND GREAT TOES, CHARACTERISTIC FACIES, AND IMPAIRED INTELLECTUAL DEVELOPMENT. Identifiers: Orphanet 353277, Orphanet 783, MedGen C4551859, MONDO:0008393, OMIM 180849.
Menke-Hennekam syndrome 1 (MKHK1). Identifiers: MedGen C5193034, MONDO:0020763, OMIM 618332.
Inborn genetic diseases. Identifiers: MedGen C0950123, MeSH D030342.

Allele frequency attached by ClinVar (database versions not stated): TOPMed 0.00084; 1000 Genomes Project 30x 0.00094; 1000 Genomes Project 0.00100; ESP Exome Variant Server 0.00139.
gnomAD v4.1: 273 of 1,614,246 alleles (0.017%); highest among the groups gnomAD compares: African/African-American, 0.34%; no homozygotes.

Submissions (7):

CeGaT Center for Human Genetics Tuebingen
Classification: Likely benign. Last evaluated: 2026-03-01. Review status: criteria provided, single submitter. Criteria: CeGaT Center For Human Genetics Tuebingen Variant Classification Criteria Version 2. Collection method: clinical testing. Allele origin: germline. Affected: yes. Observed: 1 variant allele.
Comment: CREBBP: BP4, BP7, BS1

Labcorp Genetics (formerly Invitae), Labcorp
Classification: Benign for Rubinstein-Taybi syndrome. Last evaluated: 2025-12-13. Review status: criteria provided, single submitter. Criteria: Invitae Variant Classification Sherloc (09022015). Collection method: clinical testing. Allele origin: germline.

Fulgent Genetics
Classification: Likely benign for Rubinstein-Taybi syndrome due to CREBBP mutations; Menke-Hennekam syndrome 1. Last evaluated: 2021-10-30. Review status: criteria provided, single submitter. Criteria: ACMG Guidelines, 2015. Collection method: clinical testing. Allele origin: unknown.

GeneDx
Classification: Benign. Last evaluated: 2020-07-01. Review status: criteria provided, single submitter. Criteria: GeneDx Variant Classification Process June 2021. Collection method: clinical testing. Allele origin: germline. Affected: yes.

Ambry Genetics
Classification: Likely benign for Inborn genetic diseases. Last evaluated: 2017-09-29. Review status: criteria provided, single submitter. Criteria: Ambry Variant Classification Scheme 2023. Collection method: clinical testing. Allele origin: germline.

Eurofins Ntd Llc (ga)
Classification: Benign. Last evaluated: 2013-04-24. Review status: criteria provided, single submitter. Criteria: EGL Classification Definitions 2015. Collection method: clinical testing. Allele origin: germline. Observed: 1 variant allele, 1 heterozygote.

PreventionGenetics, part of Exact Sciences
Classification: Likely benign for CREBBP-related condition. Last evaluated: 2021-06-23. Review status: no assertion criteria provided. Collection method: clinical testing. Allele origin: germline. Not counted in ClinVar's aggregate classification.
Comment: This variant is classified as likely benign based on ACMG/AMP sequence variant interpretation guidelines (Richards et al. 2015 PMID: 25741868, with internal and published modifications).

NM_004380.3(CREBBP):c.753T>G (p.Thr251=)

Gene: CREBBP (CREB binding lysine acetyltransferase; minus strand). Cytogenetic location: 16p13.3.
Variant type: single nucleotide variant.
Coding change: c.753T>G on transcript NM_004380.3 (MANE Select); coding-DNA position 753, T replaced by G.
Protein change: p.Thr251=; no amino-acid change (threonine 251 retained).
Molecular consequence: synonymous variant.
Genome position (GRCh38, 1-based): chr16:3,850,342, A>C on the plus strand (T>G on the coding strand, the complement: CREBBP is on the minus strand). VCF-style: chr16-3850342-A-C. GRCh37 (hg19) VCF-style: chr16-3900343-A-C.
Other names: c.753T>G, p.Thr251= (NM_001079846.1).
Identifiers: ClinVar variation 95068 (VCV000095068.24), dbSNP rs142403441, ClinGen allele CA148152.